The following is an entry in ClinVar:

NM_001164277.2(SLC37A4):c.780_781insTCTTACCTT (p.Leu260_Val261insSerTyrLeu)

Gene: SLC37A4 (solute carrier family 37 member 4; minus strand). Cytogenetic location: 11q23.3.
Variant type: Insertion.
Coding change: c.780_781insTCTTACCTT on transcript NM_001164277.2 (MANE Select); coding-DNA positions 780 to 781, TCTTACCTT inserted.
Protein change: p.Leu260_Val261insSerTyrLeu.
Molecular consequence: inframe insertion.
Genome position: GRCh38 VCF-style: chr11-119026940-C-CAAGGTAAGA. GRCh37 (hg19) VCF-style: chr11-118897650-C-CAAGGTAAGA.
Other names: c.780_781insTCTTACCTT, p.Leu260_Val261insSerTyrLeu (NM_001164278.2, NM_001164280.2, NM_001467.6); c.561_562insTCTTACCTT, p.Leu187_Val188insSerTyrLeu (NM_001164279.2).
Identifiers: ClinVar variation 1522522 (VCV001522522.6), dbSNP rs1565688245, ClinGen allele CA477125714.

ClinVar aggregate classification (germline): Uncertain significance (1 of 4 stars; one submission).

Conditions:
Glucose-6-phosphate transport defect (GSD1B). Also called: Glycogen Storage Disease Type Ib; GSD Ib. Identifiers: Orphanet 364, Orphanet 79259, MedGen C0268146, MONDO:0009288, OMIM 232220.

Submission:

Labcorp Genetics (formerly Invitae), Labcorp
Classification: Uncertain significance for Glucose-6-phosphate transport defect. Last evaluated: 2025-10-21. Review status: criteria provided, single submitter. Criteria: Invitae Variant Classification Sherloc (09022015). Collection method: clinical testing. Allele origin: germline.
Comment: This variant, c.780_781insTCTTACCTT, results in the insertion of 3 amino acid(s) of the SLC37A4 protein (p.Leu260_Val261insSerTyrLeu), but otherwise preserves the integrity of the reading frame. This variant is present in population databases (no rsID available, gnomAD 0.01%). This variant has not been reported in the literature in individuals affected with SLC37A4-related conditions. ClinVar contains an entry for this variant (Variation ID: 1522522). Experimental studies and prediction algorithms are not available or were not evaluated, and the functional significance of this variant is currently unknown. In summary, the available evidence is currently insufficient to determine the role of this variant in disease. Therefore, it has been classified as a Variant of Uncertain Significance.